The following is an entry in ClinVar:

ClinVar aggregate classification (germline): Uncertain significance (1 of 4 stars; one submission).

Conditions:
Cardiomyopathy (CMYO). Also called: Cardiomyopathies. Identifiers: Orphanet 167848, MedGen C0878544, MONDO:0004994, HP:0001638. Inheritance: Various modes of inheritance.

Submission:

Color Diagnostics, LLC DBA Color Health
Classification: Uncertain significance for Cardiomyopathy. Last evaluated: 2019-01-27. Review status: criteria provided, single submitter. Criteria: ACMG Guidelines, 2015. Collection method: clinical testing. Allele origin: germline.
Comment: Variant of Uncertain Significance due to insufficient evidence: This missense variant is located in the cytoplasmic domain of the RYR2 protein. Computational prediction tools and conservation analyses suggest that this variant may have deleterious impact on the protein function. Computational splicing tools suggest that this variant may not impact RNA splicing. To our knowledge, functional assays have not been performed for this variant nor has this variant been reported in individuals affected with cardiovascular disorders in the literature. This variant is rare in the general population and has been identified in 0/277264 chromosomes by the Genome Aggregation Database (gnomAD). Available evidence is insufficient to determine the role of this variant in disease conclusively.

NM_001035.3(RYR2):c.11018G>T (p.Arg3673Leu)

Gene: RYR2 (ryanodine receptor 2; plus strand). Cytogenetic location: 1q43.
Variant type: single nucleotide variant.
Coding change: c.11018G>T on transcript NM_001035.3 (MANE Select); coding-DNA position 11018, G replaced by T.
Protein change: p.Arg3673Leu; replaces arginine 3673 with leucine.
Molecular consequence: missense variant.
Genome position (GRCh38, 1-based): chr1:237,732,128, G>T. VCF-style: chr1-237732128-G-T. GRCh37 (hg19) VCF-style: chr1-237895428-G-T.
Other names: short protein forms R3673L.
Identifiers: ClinVar variation 922967 (VCV000922967.3), dbSNP rs778111237, ClinGen allele CA345419081.